The following is an entry in ClinVar:

ClinVar aggregate classification (germline): Uncertain significance. Review status: criteria provided, multiple submitters, no conflicts (2 of 4 stars). 2 submissions from 2 submitters: Uncertain significance (2). Last evaluated 2026-01-02.

gnomAD v4.1: 6 of 1,607,564 alleles (0.00037%); highest among the groups gnomAD compares: African/African-American, 0.0027%; no homozygotes.

Submissions (2):

Women's Health and Genetics/Laboratory Corporation of America, LabCorp
Classification: Uncertain significance. Last evaluated: 2026-01-02. Review status: criteria provided, single submitter. Criteria: LabCorp Variant Classification Summary - May 2015. Collection method: clinical testing. Allele origin: germline.
Comment: Variant summary: ARID1A c.6770G>A (p.Arg2257Gln) results in a conservative amino acid change in the encoded protein sequence. Algorithms developed to predict the effect of missense changes on protein structure and function are either unavailable or do not agree on the potential impact of this missense change. The variant was absent in 246444 control chromosomes. The available data on variant occurrences in the general population are insufficient to allow any conclusion about variant significance. To our knowledge, no occurrence of c.6770G>A in individuals affected with ARID1A-related conditions and no experimental evidence demonstrating its impact on protein function have been reported. No submitters have cited clinical-significance assessments for this variant to ClinVar. Based on the evidence outlined above, the variant was classified as uncertain significance.

Labcorp Genetics (formerly Invitae), Labcorp
Classification: Uncertain significance. Last evaluated: 2025-08-11. Review status: criteria provided, single submitter. Criteria: Invitae Variant Classification Sherloc (09022015). Collection method: clinical testing. Allele origin: germline.
Comment: This sequence change replaces arginine, which is basic and polar, with glutamine, which is neutral and polar, at codon 2257 of the ARID1A protein (p.Arg2257Gln). This variant is not present in population databases (gnomAD no frequency). This variant has not been reported in the literature in individuals affected with ARID1A-related conditions. Invitae Evidence Modeling of protein sequence and biophysical properties (such as structural, functional, and spatial information, amino acid conservation, physicochemical variation, residue mobility, and thermodynamic stability) indicates that this missense variant is expected to disrupt ARID1A protein function with a positive predictive value of 80%. In summary, the available evidence is currently insufficient to determine the role of this variant in disease. Therefore, it has been classified as a Variant of Uncertain Significance.

NM_006015.6(ARID1A):c.6770G>A (p.Arg2257Gln)

Gene: ARID1A (AT-rich interaction domain 1A; plus strand). Cytogenetic location: 1p36.11.
Variant type: single nucleotide variant.
Coding change: c.6770G>A on transcript NM_006015.6 (MANE Select); coding-DNA position 6770, G replaced by A.
Protein change: p.Arg2257Gln; replaces arginine 2257 with glutamine.
Molecular consequence: missense variant.
Genome position (GRCh38, 1-based): chr1:26,780,668, G>A. VCF-style: chr1-26780668-G-A. GRCh37 (hg19) VCF-style: chr1-27107159-G-A.
Other names: c.6119G>A, p.Arg2040Gln (NM_139135.4); short protein forms R2040Q, R2257Q.
Identifiers: ClinVar variation 4689699 (VCV004689699.2).